The following is an entry in ClinVar:

ClinVar aggregate classification (germline): Uncertain significance (1 of 4 stars; one submission).

Allele frequency attached by ClinVar (database versions not stated): gnomAD exomes below 0.00001.
gnomAD v4.1: 1 of 1,613,426 alleles (0.000062%); highest among the groups gnomAD compares: Non-Finnish European, 0.000085%; no homozygotes.

Submission:

Labcorp Genetics (formerly Invitae), Labcorp
Classification: Uncertain significance. Last evaluated: 2024-04-10. Review status: criteria provided, single submitter. Criteria: Invitae Variant Classification Sherloc (09022015). Collection method: clinical testing. Allele origin: germline.
Comment: This sequence change replaces histidine, which is basic and polar, with arginine, which is basic and polar, at codon 95 of the PIGB protein (p.His95Arg). This variant is not present in population databases (gnomAD no frequency). This variant has not been reported in the literature in individuals affected with PIGB-related conditions. Advanced modeling of protein sequence and biophysical properties (such as structural, functional, and spatial information, amino acid conservation, physicochemical variation, residue mobility, and thermodynamic stability) performed at Invitae indicates that this missense variant is expected to disrupt PIGB protein function with a positive predictive value of 80%. In summary, the available evidence is currently insufficient to determine the role of this variant in disease. Therefore, it has been classified as a Variant of Uncertain Significance.

NM_004855.5(PIGB):c.284A>G (p.His95Arg)

Gene: PIGB (phosphatidylinositol glycan anchor biosynthesis class B; plus strand). Cytogenetic location: 15q21.3.
Variant type: single nucleotide variant.
Coding change: c.284A>G on transcript NM_004855.5 (MANE Select); coding-DNA position 284, A replaced by G.
Protein change: p.His95Arg; replaces histidine 95 with arginine.
Molecular consequence: missense variant.
Genome position (GRCh38, 1-based): chr15:55,320,395, A>G. VCF-style: chr15-55320395-A-G. GRCh37 (hg19) VCF-style: chr15-55612593-A-G.
Other names: short protein forms H95R.
Identifiers: ClinVar variation 2810729 (VCV002810729.2), dbSNP rs2543057252, ClinGen allele CA392541418.